The following is an entry in ClinVar:

NM_001353108.3(CEP63):c.1368A>G (p.Ala456=)

Gene: CEP63 (centrosomal protein 63; plus strand). Cytogenetic location: 3q22.2.
Variant type: single nucleotide variant.
Coding change: c.1368A>G on transcript NM_001353108.3 (MANE Select); coding-DNA position 1368, A replaced by G.
Protein change: p.Ala456=; no amino-acid change (alanine 456 retained).
Molecular consequence: synonymous variant. On other transcripts: non-coding transcript variant (4).
Genome position (GRCh38, 1-based): chr3:134,550,248, A>G. VCF-style: chr3-134550248-A-G. GRCh37 (hg19) VCF-style: chr3-134269090-A-G.
Other names: c.1230A>G, p.Ala410= (NM_001042383.2, NM_001042384.2, NM_001353109.1 and 6 more transcripts); c.1368A>G, p.Ala456= (NM_001042400.3, NM_001353110.1, NM_001353111.2 and 4 more transcripts); c.1257A>G, p.Ala419= (NM_001353118.1); c.1146A>G, p.Ala382= (NM_001353125.2); c.867A>G, p.Ala289= (NM_001353126.2); c.1368A>G (NM_025180.4).
Identifiers: ClinVar variation 1593774 (VCV001593774.9), dbSNP rs372685774, ClinGen allele CA2628649.

ClinVar aggregate classification (germline): Conflicting classifications of pathogenicity. Review status: criteria provided, conflicting classifications (1 of 4 stars). 2 submissions from 2 submitters: Uncertain significance (1); Likely benign (1). Last evaluated 2024-06-09.

Conditions:
Seckel syndrome 6 (SCKL6). Identifiers: MedGen C3553582, MONDO:0013871, OMIM 614728.

Allele frequency attached by ClinVar (database versions not stated): gnomAD 0.00004; ExAC 0.00008; TOPMed 0.00008; gnomAD exomes 0.00009 and 0.00011; ESP Exome Variant Server 0.00015.
gnomAD v4.1: 159 of 1,614,072 alleles (0.0099%); highest among the groups gnomAD compares: Middle Eastern, 0.082%; no homozygotes.

Submissions (2):

Labcorp Genetics (formerly Invitae), Labcorp
Classification: Likely benign. Last evaluated: 2024-06-09. Review status: criteria provided, single submitter. Criteria: Invitae Variant Classification Sherloc (09022015). Collection method: clinical testing. Allele origin: germline.

Dr. med. U. Finckh, Human Genetics, Eurofins MVZ
Classification: Uncertain significance for Seckel syndrome 6. Last evaluated: 2019-07-15. Review status: criteria provided, single submitter. Criteria: ACMG Guidelines, 2015. Collection method: clinical testing. Allele origin: unknown.